The following is an entry in ClinVar:

ClinVar aggregate classification (germline): Conflicting classifications of pathogenicity. Review status: criteria provided, conflicting classifications (1 of 4 stars). 3 submissions from 3 submitters: Likely pathogenic (1); Uncertain significance (2). Last evaluated 2022-12-08.

Conditions:
Autosomal recessive cutis laxa type 2B (ARCL2B). Also called: CUTIS LAXA, AUTOSOMAL RECESSIVE, TYPE IIB; CUTIS LAXA WITH PROGEROID FEATURES. Identifiers: Orphanet 357064, MedGen C2751987, MONDO:0013051, OMIM 612940. Disease mechanism: loss of function.
PYCR1-related de Barsy syndrome. Also called: CUTIS LAXA, AUTOSOMAL RECESSIVE, TYPE IIIB; DE BARSY SYNDROME B. Identifiers: Orphanet 293633, Orphanet 2962, MedGen C3280799, MONDO:0013755, OMIM 614438.

Allele frequency attached by ClinVar (database versions not stated): ExAC 0.00001; gnomAD exomes 0.00001.
gnomAD v4.1: 3 of 1,612,900 alleles (0.00019%); highest among the groups gnomAD compares: South Asian, 0.0033%; no homozygotes.

Submissions (3):

Labcorp Genetics (formerly Invitae), Labcorp
Classification: Uncertain significance. Last evaluated: 2022-12-08. Review status: criteria provided, single submitter. Criteria: Invitae Variant Classification Sherloc (09022015). Collection method: clinical testing. Allele origin: germline.
Comment: In summary, the available evidence is currently insufficient to determine the role of this variant in disease. Therefore, it has been classified as a Variant of Uncertain Significance. Advanced modeling of protein sequence and biophysical properties (such as structural, functional, and spatial information, amino acid conservation, physicochemical variation, residue mobility, and thermodynamic stability) performed at Invitae indicates that this missense variant is not expected to disrupt PYCR1 protein function. ClinVar contains an entry for this variant (Variation ID: 976724). This variant has not been reported in the literature in individuals affected with PYCR1-related conditions. This variant is present in population databases (rs767581950, gnomAD 0.007%). This sequence change replaces serine, which is neutral and polar, with phenylalanine, which is neutral and non-polar, at codon 252 of the PYCR1 protein (p.Ser252Phe).

Department of Pathology and Laboratory Medicine, Sinai Health System
Classification: Uncertain significance for Autosomal recessive cutis laxa type 2B; PYCR1-related de Barsy syndrome. Last evaluated: 2022-11-01. Review status: criteria provided, single submitter. Criteria: ACMG Guidelines, 2015. Collection method: research. Allele origin: germline.

Institute of Human Genetics Munich, TUM University Hospital
Classification: Likely pathogenic for Autosomal recessive cutis laxa type 2B. Last evaluated: 2020-06-08. Review status: criteria provided, single submitter. Criteria: Classification criteria August 2017. Collection method: clinical testing. Allele origin: inherited. Inheritance: Autosomal recessive inheritance. Affected: yes. Observed: 1 homozygote.

NM_006907.4(PYCR1):c.755C>T (p.Ser252Phe)

Gene: PYCR1 (pyrroline-5-carboxylate reductase 1; minus strand). Cytogenetic location: 17q25.3.
Variant type: single nucleotide variant.
Coding change: c.755C>T on transcript NM_006907.4 (MANE Select); coding-DNA position 755, C replaced by T.
Protein change: p.Ser252Phe; replaces serine 252 with phenylalanine.
Molecular consequence: missense variant. On other transcripts: intron variant (1).
Genome position (GRCh38, 1-based): chr17:81,934,368, G>A on the plus strand (C>T on the coding strand, the complement: PYCR1 is on the minus strand). VCF-style: chr17-81934368-G-A. GRCh37 (hg19) VCF-style: chr17-79892244-G-A.
Other names: c.662C>T, p.Ser221Phe (NM_001282279.2); c.755C>T, p.Ser252Phe (NM_001282280.2, NM_153824.3); c.836C>T, p.Ser279Phe (NM_001282281.2); c.633+285C>T (NM_001330523.2); short protein forms S221F, S252F, S279F.
Identifiers: ClinVar variation 976724 (VCV000976724.9), dbSNP rs767581950, ClinGen allele CA8845327.
Genomic context (GRCh38, chr17:81,934,368, plus strand): 5'-GGCAGCGCGGGGGCCCACCGTGTGCGGATGCAGGAGGCCTCCACAGCGTTGATGAGCAGG[G>A]AGCGGAAGCCCCCACTCTCCAGCACATGCAAGGCATGGATGGTGGCCCCACCAGGAGAGC-3'
Protein context (NP_008838.2, residues 242-262): LHVLESGGFR[Ser252Phe]LLINAVEASC